The following is an entry in ClinVar:

ClinVar aggregate classification (germline): Uncertain significance (1 of 4 stars; one submission).

Conditions:
Brachyolmia-amelogenesis imperfecta syndrome. Also called: PLATYSPONDYLY WITH AMELOGENESIS IMPERFECTA; Tooth agenesis, selective, 6; Dental anomalies and short stature. Identifiers: Orphanet 2899, MedGen C1832594, MONDO:0011018, OMIM 601216. Disease mechanism: loss of function.

gnomAD v4.1: 7 of 1,613,926 alleles (0.00043%); highest among the groups gnomAD compares: Non-Finnish European, 0.00042%; no homozygotes.

Submission:

Labcorp Genetics (formerly Invitae), Labcorp
Classification: Uncertain significance for Brachyolmia-amelogenesis imperfecta syndrome. Last evaluated: 2025-08-28. Review status: criteria provided, single submitter. Criteria: Invitae Variant Classification Sherloc (09022015). Collection method: clinical testing. Allele origin: germline.
Comment: This sequence change falls in intron 18 of the LTBP3 gene. It does not directly change the encoded amino acid sequence of the LTBP3 protein. It affects a nucleotide within the consensus splice site. This variant is not present in population databases (gnomAD no frequency). This variant has not been reported in the literature in individuals affected with LTBP3-related conditions. Variants that disrupt the consensus splice site are a relatively common cause of aberrant splicing (PMID: 17576681, 9536098). Algorithms developed to predict the effect of sequence changes on RNA splicing suggest that this variant may disrupt the consensus splice site. In summary, the available evidence is currently insufficient to determine the role of this variant in disease. Therefore, it has been classified as a Variant of Uncertain Significance.

Literature cited by the submitters: PubMed 17576681; PubMed 9536098.

NM_001130144.3(LTBP3):c.2596+5G>A

Gene: LTBP3 (latent transforming growth factor beta binding protein 3; minus strand). Cytogenetic location: 11q13.1.
Variant type: single nucleotide variant.
Coding change: c.2596+5G>A on transcript NM_001130144.3 (MANE Select); 5 bases into the intron after coding-DNA position 2596, G replaced by A.
Molecular consequence: intron variant.
Genome position (GRCh38, 1-based): chr11:65,543,100, C>T on the plus strand (G>A on the coding strand, the complement: LTBP3 is on the minus strand). VCF-style: chr11-65543100-C-T. GRCh37 (hg19) VCF-style: chr11-65310571-C-T.
Other names: c.2245+5G>A (NM_001164266.1); c.2596+5G>A (NM_021070.4).
Identifiers: ClinVar variation 4762793 (VCV004762793.1).